The following is an entry in ClinVar:

NM_003590.5(CUL3):c.2120T>C (p.Ile707Thr)

Gene: CUL3 (cullin 3; minus strand). Cytogenetic location: 2q36.2.
Variant type: single nucleotide variant.
Coding change: c.2120T>C on transcript NM_003590.5 (MANE Select); coding-DNA position 2120, T replaced by C.
Protein change: p.Ile707Thr; replaces isoleucine 707 with threonine.
Molecular consequence: missense variant.
Genome position (GRCh38, 1-based): chr2:224,478,255, A>G on the plus strand (T>C on the coding strand, the complement: CUL3 is on the minus strand). VCF-style: chr2-224478255-A-G. GRCh37 (hg19) VCF-style: chr2-225342972-A-G.
Other names: c.1922T>C, p.Ile641Thr (NM_001257197.2); c.2138T>C, p.Ile713Thr (NM_001257198.2); short protein forms I641T, I707T, I713T.
Identifiers: ClinVar variation 2442445 (VCV002442445.1), dbSNP rs2106142894, ClinGen allele CA350821691.
Genomic context (GRCh38, chr2:224,478,255, plus strand): 5'-CTCACCTCCGCTACTAGAACATTGTGCTGCATCTTCTTTCTAGATTTCATTATCCGCACT[A>G]TAGCAGCTTCTATCTCATGTTTTCTGTCGTCGTCTACTTTCTGCCTTGTTTCTTTCCTCT-3'
Protein context (NP_003581.1, residues 697-717): DDRKHEIEAA[Ile707Thr]VRIMKSRKKM

ClinVar aggregate classification (germline): Uncertain significance (1 of 4 stars; one submission).

Submission:

GeneDx
Classification: Uncertain significance. Last evaluated: 2022-09-02. Review status: criteria provided, single submitter. Criteria: GeneDx Variant Classification Process June 2021. Collection method: clinical testing. Allele origin: germline. Affected: yes.
Comment: Not observed at significant frequency in large population cohorts (gnomAD); In silico analysis supports that this missense variant has a deleterious effect on protein structure/function; Has not been previously published as pathogenic or benign to our knowledge